The following is an entry in ClinVar:

ClinVar aggregate classification (germline): Likely benign. Review status: criteria provided, multiple submitters, no conflicts (2 of 4 stars). 2 submissions from 2 submitters: Likely benign (2). Last evaluated 2025-10-01.

gnomAD v4.1: 115 of 1,541,004 alleles (0.0075%); highest among the groups gnomAD compares: African/African-American, 0.045%; no homozygotes.

Submissions (2):

CeGaT Center for Human Genetics Tuebingen
Classification: Likely benign. Last evaluated: 2025-10-01. Review status: criteria provided, single submitter. Criteria: CeGaT Center For Human Genetics Tuebingen Variant Classification Criteria Version 2. Collection method: clinical testing. Allele origin: germline. Affected: yes. Observed: 1 variant allele.
Comment: KIF26A: BP4, BP7

Blueprint Genetics
Classification: Likely benign. Last evaluated: 2024-06-04. Review status: criteria provided, single submitter. Criteria: ACMG Guidelines, 2015. Collection method: clinical testing. Allele origin: germline.

NM_015656.2(KIF26A):c.4944C>T (p.Thr1648=)

Gene: KIF26A (kinesin family member 26A; plus strand). Cytogenetic location: 14q32.33.
Variant type: single nucleotide variant.
Coding change: c.4944C>T on transcript NM_015656.2 (MANE Select); coding-DNA position 4944, C replaced by T.
Protein change: p.Thr1648=; no amino-acid change (threonine 1648 retained).
Molecular consequence: synonymous variant.
Genome position (GRCh38, 1-based): chr14:104,177,732, C>T. VCF-style: chr14-104177732-C-T. GRCh37 (hg19) VCF-style: chr14-104644069-C-T.
Identifiers: ClinVar variation 4534177 (VCV004534177.7).